The following is an entry in ClinVar:

NM_004415.4(DSP):c.7633G>T (p.Asp2545Tyr)

Gene: DSP (desmoplakin; plus strand). Cytogenetic location: 6p24.3.
Variant type: single nucleotide variant.
Coding change: c.7633G>T on transcript NM_004415.4 (MANE Select); coding-DNA position 7633, G replaced by T.
Protein change: p.Asp2545Tyr; replaces aspartic acid 2545 with tyrosine.
Molecular consequence: missense variant.
Genome position (GRCh38, 1-based): chr6:7,584,895, G>T. VCF-style: chr6-7584895-G-T. GRCh37 (hg19) VCF-style: chr6-7585128-G-T.
Other names: c.5836G>T, p.Asp1946Tyr (NM_001008844.3); c.6304G>T, p.Asp2102Tyr (NM_001319034.2); short protein forms D2545Y, D2102Y, D1946Y.
Identifiers: ClinVar variation 2948578 (VCV002948578.3), dbSNP rs2533947133, ClinGen allele CA362693442.

ClinVar aggregate classification (germline): Uncertain significance (1 of 4 stars; one submission).

Conditions:
Arrhythmogenic cardiomyopathy with wooly hair and keratoderma. Also called: Dilated cardiomyopathy with woolly hair and keratoderma; PALMOPLANTAR KERATODERMA WITH LEFT VENTRICULAR CARDIOMYOPATHY AND WOOLLY HAIR; Carvajal syndrome; Arrhythmogenic cardiomyopathy with woolly hair and keratoderma. Identifiers: Orphanet 65282, MedGen C1854063, MONDO:0011581, OMIM 605676.
Arrhythmogenic right ventricular dysplasia 8 (ARVD8). Also called: Arrhythmogenic Right Ventricular Dysplasia/Cardiomyopathy 8; ARRHYTHMOGENIC RIGHT VENTRICULAR DYSPLASIA, FAMILIAL, 8; ARRHYTHMOGENIC RIGHT VENTRICULAR CARDIOMYOPATHY 8. Identifiers: MedGen C1843896, MONDO:0011831, OMIM 607450.

Submission:

Labcorp Genetics (formerly Invitae), Labcorp
Classification: Uncertain significance for Arrhythmogenic cardiomyopathy with wooly hair and keratoderma; Arrhythmogenic right ventricular dysplasia 8. Last evaluated: 2023-06-05. Review status: criteria provided, single submitter. Criteria: Invitae Variant Classification Sherloc (09022015). Collection method: clinical testing. Allele origin: germline.
Comment: This sequence change replaces aspartic acid, which is acidic and polar, with tyrosine, which is neutral and polar, at codon 2545 of the DSP protein (p.Asp2545Tyr). This variant is not present in population databases (gnomAD no frequency). In summary, the available evidence is currently insufficient to determine the role of this variant in disease. Therefore, it has been classified as a Variant of Uncertain Significance. An algorithm developed to predict the effect of missense changes on protein structure and function (PolyPhen-2) suggests that this variant is likely to be disruptive. This variant has not been reported in the literature in individuals affected with DSP-related conditions.